The following is an entry in ClinVar:

NM_002439.5(MSH3):c.1040del (p.Leu347fs)

Gene: MSH3 (mutS homolog 3; plus strand). Cytogenetic location: 5q14.1.
Variant type: Deletion.
Coding change: c.1040del on transcript NM_002439.5 (MANE Select); coding-DNA position 1040, one base deleted (T; older notation c.1040delT).
Protein change: p.Leu347fs; shifts the reading frame from leucine 347.
Molecular consequence: frameshift variant.
Genome position (GRCh38, 1-based): chr5:80,674,995, T deleted. VCF-style (leftmost placement, unchanged base first): chr5-80674994-CT-C. GRCh37 (hg19) VCF-style: chr5-79970813-CT-C.
Other names: short protein forms L347fs.
Identifiers: ClinVar variation 646031 (VCV000646031.11), dbSNP rs1580553624, ClinGen allele CA915943433.

ClinVar aggregate classification (germline): Pathogenic/Likely pathogenic. Review status: criteria provided, multiple submitters, no conflicts (2 of 4 stars). 4 submissions from 4 submitters: Pathogenic (3); Likely pathogenic (1). Last evaluated 2024-01-19.

Conditions:
Hereditary cancer-predisposing syndrome. Also called: Hereditary Cancer Syndrome; Tumor predisposition; Hereditary neoplastic syndrome; Neoplastic Syndromes, Hereditary. Identifiers: Orphanet 140162, MedGen C0027672, MeSH D009386, MONDO:0015356.
Familial adenomatous polyposis 4 (FAP4). Also called: MSH3-related attenuated familial adenomatous polyposis. Identifiers: Orphanet 480536, MedGen C4310719, MONDO:0044300, OMIM 617100.
Endometrial carcinoma. Also called: Endometrial carcinoma, somatic. Identifiers: MedGen C0476089, MONDO:0002447, OMIM 608089, HP:0012114.

Allele frequency attached by ClinVar (database versions not stated): gnomAD exomes below 0.00001.

Submissions (4):

Labcorp Genetics (formerly Invitae), Labcorp
Classification: Pathogenic. Last evaluated: 2024-01-19. Review status: criteria provided, single submitter. Criteria: Invitae Variant Classification Sherloc (09022015). Collection method: clinical testing. Allele origin: germline.
Comment: This sequence change creates a premature translational stop signal (p.Leu347Glnfs*8) in the MSH3 gene. It is expected to result in an absent or disrupted protein product. Loss-of-function variants in MSH3 are known to be pathogenic (PMID: 27476653, 37402566). This variant is not present in population databases (gnomAD no frequency). This variant has not been reported in the literature in individuals affected with MSH3-related conditions. ClinVar contains an entry for this variant (Variation ID: 646031). For these reasons, this variant has been classified as Pathogenic.

Myriad Genetics, Inc.
Classification: Pathogenic for Familial adenomatous polyposis 4. Last evaluated: 2023-04-26. Review status: criteria provided, single submitter. Criteria: Myriad Autosomal Dominant, Autosomal Recessive and X-Linked Classification Criteria (2023). Collection method: clinical testing. Allele origin: unknown.
Comment: This variant is considered pathogenic. This variant creates a frameshift predicted to result in premature protein truncation.

Baylor Genetics
Classification: Likely pathogenic for Endometrial carcinoma. Last evaluated: 2021-11-19. Review status: criteria provided, single submitter. Criteria: ACMG Guidelines, 2015. Collection method: clinical testing. Allele origin: unknown.

Ambry Genetics
Classification: Pathogenic for Hereditary cancer-predisposing syndrome. Last evaluated: 2020-01-06. Review status: criteria provided, single submitter. Criteria: Ambry Variant Classification Scheme 2023. Collection method: clinical testing. Allele origin: germline.
Comment: The c.1040delT pathogenic mutation, located in coding exon 7 of the MSH3 gene, results from a deletion of one nucleotide at nucleotide position 1040, causing a translational frameshift with a predicted alternate stop codon (p.L347Qfs*8). This alteration is expected to result in loss of function by premature protein truncation or nonsense-mediated mRNA decay. As such, this alteration is interpreted as a disease-causing mutation.

Literature cited by the submitters: PubMed 27476653 (cited by Labcorp Genetics (formerly Invitae), Labcorp); PubMed 37402566 (cited by Labcorp Genetics (formerly Invitae), Labcorp).